The following is an entry in ClinVar:

NM_145290.4(ADGRA3):c.2358-6A>T

Gene: ADGRA3 (adhesion G protein-coupled receptor A3; minus strand). Cytogenetic location: 4p15.2.
Variant type: single nucleotide variant.
Coding change: c.2358-6A>T on transcript NM_145290.4 (MANE Select); 6 bases into the intron before coding-DNA position 2358, A replaced by T.
Molecular consequence: intron variant.
Genome position (GRCh38, 1-based): chr4:22,401,560, T>A on the plus strand (A>T on the coding strand, the complement: ADGRA3 is on the minus strand). VCF-style: chr4-22401560-T-A. GRCh37 (hg19) VCF-style: chr4-22403183-T-A.
Other names: c.2358-6A>T (NM_145290.3).
Identifiers: ClinVar variation 1166839 (VCV001166839.12), dbSNP rs368722133, ClinGen allele CA2873653.

ClinVar aggregate classification (germline): Benign. Review status: criteria provided, single submitter (1 of 4 stars). 2 submissions from 2 submitters: Benign (1). 1 of the submissions does not count toward it. Last evaluated 2026-01-26.

Conditions:
ADGRA3-related disorder. Also called: ADGRA3-related condition.

Allele frequency attached by ClinVar (database versions not stated): gnomAD exomes 0.00012 and 0.00029; ExAC 0.00039; ESP Exome Variant Server 0.00100; 1000 Genomes Project 30x 0.00109; gnomAD 0.00110 and 0.00120; 1000 Genomes Project 0.00120; TOPMed 0.00144.
gnomAD v4.1: 351 of 1,594,998 alleles (0.022%); highest among the groups gnomAD compares: African/African-American, 0.41%; 1 homozygote.

Submissions (3):

Labcorp Genetics (formerly Invitae), Labcorp
Classification: Benign. Last evaluated: 2026-01-26. Review status: criteria provided, single submitter. Criteria: Invitae Variant Classification Sherloc (09022015). Collection method: clinical testing. Allele origin: germline.

PreventionGenetics, part of Exact Sciences
Classification: Likely benign for ADGRA3-related condition. Last evaluated: 2019-07-03. Review status: no assertion criteria provided. Collection method: clinical testing. Allele origin: germline. Not counted in ClinVar's aggregate classification.
Comment: This variant is classified as likely benign based on ACMG/AMP sequence variant interpretation guidelines (Richards et al. 2015 PMID: 25741868, with internal and published modifications).

Dr. Peter K. Rogan Lab, Western University
No classification provided (evidence only). Condition: Uterine corpus endometrial carcinoma. Review status: no classification provided. Collection method: in vitro. Allele origin: not applicable. Functional consequence: retained intron. Not counted in ClinVar's aggregate classification.